The following is an entry in ClinVar:

ClinVar aggregate classification (germline): Pathogenic (1 of 4 stars; one submission).

Submission:

Labcorp Genetics (formerly Invitae), Labcorp
Classification: Pathogenic. Last evaluated: 2023-09-07. Review status: criteria provided, single submitter. Criteria: Invitae Variant Classification Sherloc (09022015). Collection method: clinical testing. Allele origin: germline.
Comment: This variant is a gross deletion of the genomic region encompassing exon(s) 10 of the USH2A gene. This deletion is out-of-frame, and is expected to create a premature termination codon and result in an absent or disrupted protein product. Loss-of-function variants in USH2A are known to be pathogenic (PMID: 10729113, 10909849, 20507924, 25649381). A similar copy number variant has been observed in individual(s) with USH2A-related conditions (PMID: 29655801). For these reasons, this variant has been classified as Pathogenic.

Literature cited by the submitters: PubMed 10729113; PubMed 10909849; PubMed 20507924; PubMed 25649381; PubMed 29655801.

NC_000001.10:g.(?_216465497)_(216465732_?)del

Gene: USH2A (usherin; minus strand). Cytogenetic location: 1q41.
Variant type: Deletion.
Identifiers: ClinVar variation 1432080 (VCV001432080.7).